The following is an entry in ClinVar:

NM_006767.4(LZTR1):c.1493G>A (p.Gly498Asp)

Gene: LZTR1 (leucine zipper like post translational regulator 1; plus strand). Cytogenetic location: 22q11.21.
Variant type: single nucleotide variant.
Coding change: c.1493G>A on transcript NM_006767.4 (MANE Select); coding-DNA position 1493, G replaced by A.
Protein change: p.Gly498Asp; replaces glycine 498 with aspartic acid.
Molecular consequence: missense variant.
Genome position (GRCh38, 1-based): chr22:20,994,147, G>A. VCF-style: chr22-20994147-G-A. GRCh37 (hg19) VCF-style: chr22-21348436-G-A.
Other names: short protein forms G498D.
Identifiers: ClinVar variation 3238087 (VCV003238087.1), dbSNP rs2518620817.

ClinVar aggregate classification (germline): Uncertain significance (1 of 4 stars; one submission).

Conditions:
Hereditary cancer-predisposing syndrome. Also called: Neoplastic Syndromes, Hereditary; Tumor predisposition; Hereditary neoplastic syndrome; Hereditary Cancer Syndrome. Identifiers: Orphanet 140162, MedGen C0027672, MeSH D009386, MONDO:0015356.
Cardiovascular phenotype. Identifiers: MedGen CN230736.

Submission:

Ambry Genetics
Classification: Uncertain significance for Cardiovascular phenotype; Hereditary cancer-predisposing syndrome. Last evaluated: 2024-02-02. Review status: criteria provided, single submitter. Criteria: Ambry Variant Classification Scheme 2023. Collection method: clinical testing. Allele origin: germline.
Comment: The p.G498D variant (also known as c.1493G>A), located in coding exon 14 of the LZTR1 gene, results from a G to A substitution at nucleotide position 1493. The glycine at codon 498 is replaced by aspartic acid, an amino acid with similar properties. This amino acid position is conserved. In addition, this alteration is predicted to be tolerated by in silico analysis. Based on the available evidence, the clinical significance of this alteration remains unclear.